The following is an entry in ClinVar:

NM_203486.3(DLL3):c.1307G>A (p.Arg436His)

Gene: DLL3 (delta like canonical Notch ligand 3; plus strand). Cytogenetic location: 19q13.2.
Variant type: single nucleotide variant.
Coding change: c.1307G>A on transcript NM_203486.3 (MANE Select); coding-DNA position 1307, G replaced by A.
Protein change: p.Arg436His; replaces arginine 436 with histidine.
Molecular consequence: missense variant.
Genome position (GRCh38, 1-based): chr19:39,507,252, G>A. VCF-style: chr19-39507252-G-A. GRCh37 (hg19) VCF-style: chr19-39997892-G-A.
Other names: c.1307G>A, p.Arg436His (NM_016941.4); short protein forms R436H.
Identifiers: ClinVar variation 260774 (VCV000260774.25), dbSNP rs199831437, ClinGen allele CA9432406.
Genomic context (GRCh38, chr19:39,507,252, plus strand): 5'-CCTGCGCGCTGGGCTTCGGCGGCCGCGACTGCCGCGAGCGCGCGGACCCGTGCGCCGCGC[G>A]CCCCTGTGCTCACGGCGGCCGCTGCTACGCCCACTTCTCCGGCCTCGTCTGCGCTTGCGC-3'
Protein context (NP_982353.1, residues 426-446): CRERADPCAA[Arg436His]PCAHGGRCYA

ClinVar aggregate classification (germline): Benign/Likely benign. Review status: criteria provided, multiple submitters, no conflicts (2 of 4 stars). 6 submissions from 6 submitters: Benign (3); Likely benign (3). Last evaluated 2026-02-02.

Conditions:
Spondylocostal dysostosis 1, autosomal recessive (SCDO1). Also called: DLL3-Related Spondylocostal Dysostosis, Autosomal Recessive. Identifiers: Orphanet 2311, MedGen CN032975, MONDO:0020692, OMIM 277300.

Allele frequency attached by ClinVar (database versions not stated): ExAC 0.00019; gnomAD exomes 0.00053; gnomAD 0.00296 and 0.00317; TOPMed 0.00328; 1000 Genomes Project 30x 0.00375; 1000 Genomes Project 0.00379.
gnomAD v4.1: 944 of 1,508,872 alleles (0.063%); highest among the groups gnomAD compares: African/African-American, 1%; 2 homozygotes.

Submissions (6):

Labcorp Genetics (formerly Invitae), Labcorp
Classification: Benign. Last evaluated: 2026-02-02. Review status: criteria provided, single submitter. Criteria: Invitae Variant Classification Sherloc (09022015). Collection method: clinical testing. Allele origin: germline.

ARUP Laboratories, Molecular Genetics and Genomics, ARUP Laboratories
Classification: Likely benign for Spondylocostal dysostosis 1, autosomal recessive. Last evaluated: 2025-06-24. Review status: criteria provided, single submitter. Criteria: ARUP Molecular Germline Variant Investigation Process 2024. Collection method: clinical testing. Allele origin: germline.

Eurofins Ntd Llc (ga)
Classification: Benign. Last evaluated: 2017-06-15. Review status: criteria provided, single submitter. Criteria: EGL Classification Definitions 2015. Collection method: clinical testing. Allele origin: germline. Observed: 1 variant allele, 1 heterozygote.

GeneDx
Classification: Likely benign. Last evaluated: 2017-03-22. Review status: criteria provided, single submitter. Criteria: GeneDx Variant Classification (06012015). Collection method: clinical testing. Allele origin: germline. Affected: yes.
Comment: This variant is considered likely benign or benign based on one or more of the following criteria: it is a conservative change, it occurs at a poorly conserved position in the protein, it is predicted to be benign by multiple in silico algorithms, and/or has population frequency not consistent with disease.

Breakthrough Genomics
Classification: Likely benign. Review status: criteria provided, single submitter. Criteria: ACMG Guidelines, 2015. Collection method: not provided. Allele origin: germline. Inheritance: Autosomal recessive inheritance. Affected: yes.

PreventionGenetics, part of Exact Sciences
Classification: Benign. Review status: criteria provided, single submitter. Criteria: ACMG Guidelines, 2015. Collection method: clinical testing. Allele origin: germline.